The following is an entry in ClinVar:

NM_014989.7(RIMS1):c.459C>T (p.Asn153=)

Gene: RIMS1 (regulating synaptic membrane exocytosis 1; plus strand). Cytogenetic location: 6q13.
Variant type: single nucleotide variant.
Coding change: c.459C>T on transcript NM_014989.7 (MANE Select); coding-DNA position 459, C replaced by T.
Protein change: p.Asn153=; no amino-acid change (asparagine 153 retained).
Molecular consequence: synonymous variant.
Genome position (GRCh38, 1-based): chr6:72,097,162, C>T. VCF-style: chr6-72097162-C-T. GRCh37 (hg19) VCF-style: chr6-72806865-C-T.
Other names: c.456C>T, p.Asn152= (NM_001350411.1); c.378C>T, p.Asn126= (NM_001350412.1); c.459C>T, p.Asn153= (NM_001350413.1).
Identifiers: ClinVar variation 908250 (VCV000908250.12), dbSNP rs1238525429, ClinGen allele CA450942277.

ClinVar aggregate classification (germline): Uncertain significance. Review status: criteria provided, multiple submitters, no conflicts (2 of 4 stars). 2 submissions from 2 submitters: Uncertain significance (2). Last evaluated 2020-09-12.

Conditions:
Cone-rod dystrophy 7 (CORD7). Identifiers: Orphanet 1872, MedGen C1863634, MONDO:0011355, OMIM 603649.

Allele frequency attached by ClinVar (database versions not stated): gnomAD exomes below 0.00001 and 0.00002; gnomAD 0.00001; TOPMed 0.00001.
gnomAD v4.1: 39 of 1,612,970 alleles (0.0024%); highest among the groups gnomAD compares: Non-Finnish European, 0.003%; no homozygotes.

Submissions (2):

Labcorp Genetics (formerly Invitae), Labcorp
Classification: Uncertain significance. Last evaluated: 2020-09-12. Review status: criteria provided, single submitter. Criteria: Invitae Variant Classification Sherloc (09022015). Collection method: clinical testing. Allele origin: germline.
Comment: In summary, the available evidence is currently insufficient to determine the role of this variant in disease. Therefore, it has been classified as a Variant of Uncertain Significance. Algorithms developed to predict the effect of sequence changes on RNA splicing suggest that this variant may disrupt the consensus splice site, but this prediction has not been confirmed by published transcriptional studies. This variant has not been reported in the literature in individuals with RIMS1-related conditions. ClinVar contains an entry for this variant (Variation ID: 908250). This variant is not present in population databases (ExAC no frequency). This sequence change affects codon 153 of the RIMS1 mRNA. It is a 'silent' change, meaning that it does not change the encoded amino acid sequence of the RIMS1 protein.

Illumina Laboratory Services, Illumina
Classification: Uncertain significance for Cone-rod dystrophy 7. Last evaluated: 2018-01-12. Review status: criteria provided, single submitter. Criteria: ICSL Variant Classification Criteria 13 December 2019. Collection method: clinical testing. Allele origin: germline.